The following is an entry in ClinVar:

NM_005591.4(MRE11):c.1897C>T (p.Arg633Ter)

Gene: MRE11 (MRE11 double strand break repair nuclease; minus strand). Cytogenetic location: 11q21.
Variant type: single nucleotide variant.
Coding change: c.1897C>T on transcript NM_005591.4 (MANE Select); coding-DNA position 1897, C replaced by T.
Protein change: p.Arg633Ter; replaces arginine 633 with a stop codon.
Molecular consequence: nonsense.
Genome position (GRCh38, 1-based): chr11:94,437,206, G>A on the plus strand (C>T on the coding strand, the complement: MRE11 is on the minus strand). VCF-style: chr11-94437206-G-A. GRCh37 (hg19) VCF-style: chr11-94170372-G-A.
Other names: c.1894C>T, p.Arg632Ter (NM_001330347.2); c.1813C>T, p.Arg605Ter (NM_005590.4); short protein forms R633*, R605*, R632*.
Identifiers: ClinVar variation 8782 (VCV000008782.23), dbSNP rs137852759, ClinGen allele CA119918.
Genomic context (GRCh38, chr11:94,437,206, plus strand): 5'-TAATACACAACCATAAAACTTTTTTTCTTACCTCTGAATAATTCTTAGTAGTGACATTTC[G>A]GGAAGGCTGCTGTCTTGTAGATTTAAAGGCTAGAATGAAAAAGATGAAATGTGCATTATG-3'

ClinVar aggregate classification (germline): Pathogenic. Review status: criteria provided, multiple submitters, no conflicts (2 of 4 stars). 8 submissions from 8 submitters: Pathogenic (7). 1 of the submissions does not count toward it. Last evaluated 2026-05-01.

Conditions:
Ataxia-telangiectasia-like disorder (ATLD). Identifiers: MedGen C1858391, MONDO:0011457.
Hereditary cancer-predisposing syndrome. Also called: Hereditary neoplastic syndrome; Hereditary Cancer Syndrome; Neoplastic Syndromes, Hereditary; Tumor predisposition. Identifiers: Orphanet 140162, MedGen C0027672, MeSH D009386, MONDO:0015356.
Ataxia-telangiectasia-like disorder 1 (ATLD1). Identifiers: Orphanet 251347, MedGen C4012790, MONDO:0024557, OMIM 604391.

Allele frequency attached by ClinVar (database versions not stated): ExAC 0.00002; gnomAD 0.00001 and 0.00003; TOPMed 0.00002.

Submissions (8):

CeGaT Center for Human Genetics Tuebingen
Classification: Pathogenic. Last evaluated: 2026-05-01. Review status: criteria provided, single submitter. Criteria: CeGaT Center For Human Genetics Tuebingen Variant Classification Criteria Version 2. Collection method: clinical testing. Allele origin: germline. Affected: yes. Observed: 1 variant allele.
Comment: MRE11: PVS1, PM3, PM2:Supporting

Labcorp Genetics (formerly Invitae), Labcorp
Classification: Pathogenic for Ataxia-telangiectasia-like disorder. Last evaluated: 2026-01-24. Review status: criteria provided, single submitter. Criteria: Invitae Variant Classification Sherloc (09022015). Collection method: clinical testing. Allele origin: germline.
Comment: This sequence change creates a premature translational stop signal (p.Arg633*) in the MRE11 gene. It is expected to result in an absent or disrupted protein product. Loss-of-function variants in MRE11 are known to be pathogenic (PMID: 23080121, 23912341). This variant is present in population databases (rs137852759, gnomAD 0.02%). This premature translational stop signal has been observed in individual(s) with ataxia-telangiectasia-like disorder, nephronophthisis-related ciliopathies and/or breast cancer (PMID: 8445618, 10612394, 19383352, 22863007). ClinVar contains an entry for this variant (Variation ID: 8782). Algorithms developed to predict the effect of variants on gene product structure and function are not available or were not evaluated for this variant. Experimental studies have shown that this premature translational stop signal affects MRE11 function (PMID: 10612394, 14690604, 25040471). For these reasons, this variant has been classified as Pathogenic.

Ambry Genetics
Classification: Pathogenic for Hereditary cancer-predisposing syndrome. Last evaluated: 2025-06-26. Review status: criteria provided, single submitter. Criteria: Ambry Variant Classification Scheme 2023. Collection method: clinical testing. Allele origin: germline.
Comment: The p.R633* pathogenic mutation (also known as c.1897C>T), located in coding exon 16 of the MRE11A gene, results from a C to T substitution at nucleotide position 1897. This changes the amino acid from an arginine to a stop codon within coding exon 16. This alteration was first described in a homozygous state in first cousins with ataxia-telangiectasia-like disorder (ATLD). Both individuals had features of A-T and increased levels of radiosensitivity, but no detectable ATM mutations (Stewart GS et al. Cell 1999; 99:577-87). The MRE11A p.R633* mutation has also been described in the homozygous state in siblings with ataxia (Chaki et al. Cell. 2012; 150:533-548). In another study, this alteration was detected in one individual with a personal and family history of breast cancer (Bartkova et al. J Mol Oncol. 2008; 2(4):296-316). This variant was also identified in a cohort of 3,579 African males diagnosed with prostate cancer who underwent multi-gene panel testing (Matejcic M et al. JCO Precis Oncol, 2020 Jan;4:32-43). This variant is considered to be rare based on population cohorts in the Genome Aggregation Database (gnomAD). In addition to the clinical data presented in the literature, this alteration is expected to result in loss of function by premature protein truncation or nonsense-mediated mRNA decay. As such, this alteration is interpreted as a disease-causing mutation.

Baylor Genetics
Classification: Pathogenic for Ataxia-telangiectasia-like disorder 1. Last evaluated: 2024-02-06. Review status: criteria provided, single submitter. Criteria: ACMG Guidelines, 2015. Collection method: clinical testing. Allele origin: unknown.

GeneDx
Classification: Pathogenic. Last evaluated: 2023-06-30. Review status: criteria provided, single submitter. Criteria: GeneDx Variant Classification Process June 2021. Collection method: clinical testing. Allele origin: germline. Affected: yes.
Comment: Nonsense variant predicted to result in protein truncation or nonsense mediated decay in a gene for which loss of function is a known mechanism of disease; This variant is associated with the following publications: (PMID: 22863007, 25525159, 23912341, 10612394, 30625039, 29922827, 32832836, 31742824)

Juno Genomics, Hangzhou Juno Genomics, Inc
Classification: Pathogenic for Ataxia-telangiectasia-like disorder 1. Review status: criteria provided, single submitter. Criteria: ACMG Guidelines, 2015. Collection method: clinical testing. Allele origin: germline.
Comment: Absent from controls (or at extremely low frequency if recessive) in Genome Aggregation Database.;Null variant in a gene where loss of function (LOF) is a known mechanism of disease.;Co-segregation with disease in multiple affected family members.;For recessive disorders, detected in trans with a pathogenic variant.

Neuberg Centre For Genomic Medicine, NCGM
Classification: Pathogenic for Ataxia-telangiectasia-like disorder 1. Review status: criteria provided, single submitter. Criteria: ACMG Guidelines, 2015. Collection method: clinical testing. Allele origin: germline. Inheritance: Autosomal recessive inheritance. Affected: yes.
Comment: The stop-gained variant c.1897C>T p.Arg633Ter in the MRE11 gene has been reported in the homozygous state in individuals affected with Ataxia telangiectasia and breast cancer Taylor et al., 2015; Bartkova et al., 2008. This variant is reported with the allele frequency 0.002% in the gnomAD Exomes and novel not in any individuals in 1000 Genomes. It has been submitted to ClinVar as Pathogenic Multiple submissions. This variant is predicted to cause a loss of normal protein function through protein truncation. Loss of function variants has been previously reported to be disease-causing. For these reasons, this variant has been classified as Pathogenic.

OMIM
Classification: Pathogenic for ATAXIA-TELANGIECTASIA-LIKE DISORDER 1. Last evaluated: 2012-08-03. Review status: no assertion criteria provided. Collection method: literature only. Allele origin: germline. Not counted in ClinVar's aggregate classification.

Literature cited by the submitters: PubMed 23080121 (cited by Labcorp Genetics (formerly Invitae), Labcorp); PubMed 23912341 (cited by Labcorp Genetics (formerly Invitae), Labcorp); PubMed 8445618 (cited by Labcorp Genetics (formerly Invitae), Labcorp and OMIM); PubMed 10612394 (cited by Labcorp Genetics (formerly Invitae), Labcorp and OMIM); PubMed 19383352 (cited by Labcorp Genetics (formerly Invitae), Labcorp); PubMed 22863007 (cited by Labcorp Genetics (formerly Invitae), Labcorp and OMIM); PubMed 14690604 (cited by Labcorp Genetics (formerly Invitae), Labcorp); PubMed 25040471 (cited by Labcorp Genetics (formerly Invitae), Labcorp); PubMed 32832836 (cited by Ambry Genetics); PubMed 25326635 (cited by Baylor Genetics).